The following is an entry in ClinVar:

ClinVar aggregate classification (germline): Uncertain significance (1 of 4 stars; one submission).

Conditions:
Infantile-onset X-linked spinal muscular atrophy. Also called: ARTHROGRYPOSIS, X-LINKED, TYPE I; AMC, DISTAL, X-LINKED; Spinal muscular atrophy, X-linked 2; SPINAL MUSCULAR ATROPHY, X-LINKED LETHAL INFANTILE; Spinal Muscular Atrophy, X-Linked Infantile. Identifiers: Orphanet 1145, MedGen C1844934, MONDO:0010532, OMIM 301830.

Submission:

Labcorp Genetics (formerly Invitae), Labcorp
Classification: Uncertain significance for Infantile-onset X-linked spinal muscular atrophy. Last evaluated: 2022-08-22. Review status: criteria provided, single submitter. Criteria: Invitae Variant Classification Sherloc (09022015). Collection method: clinical testing. Allele origin: germline.
Comment: In summary, the available evidence is currently insufficient to determine the role of this variant in disease. Therefore, it has been classified as a Variant of Uncertain Significance. Algorithms developed to predict the effect of missense changes on protein structure and function (SIFT, PolyPhen-2, Align-GVGD) all suggest that this variant is likely to be tolerated. This variant has not been reported in the literature in individuals affected with UBA1-related conditions. This variant is not present in population databases (gnomAD no frequency). This sequence change replaces methionine, which is neutral and non-polar, with isoleucine, which is neutral and non-polar, at codon 223 of the UBA1 protein (p.Met223Ile).

NM_003334.4(UBA1):c.669G>A (p.Met223Ile)

Gene: UBA1 (ubiquitin like modifier activating enzyme 1; plus strand). Cytogenetic location: Xp11.3.
Variant type: single nucleotide variant.
Coding change: c.669G>A on transcript NM_003334.4 (MANE Select); coding-DNA position 669, G replaced by A.
Protein change: p.Met223Ile; replaces methionine 223 with isoleucine.
Molecular consequence: missense variant.
Genome position (GRCh38, 1-based): chrX:47,201,357, G>A. VCF-style: chrX-47201357-G-A. GRCh37 (hg19) VCF-style: chrX-47060756-G-A.
Other names: c.669G>A, p.Met223Ile (NM_153280.3); short protein forms M223I.
Identifiers: ClinVar variation 1717789 (VCV001717789.5), dbSNP rs2521426074, ClinGen allele CA412792973.